The following is an entry in ClinVar:

ClinVar aggregate classification (germline): Uncertain significance (1 of 4 stars; one submission).

Conditions:
Alstrom syndrome (ALMS). Identifiers: Orphanet 64, MedGen C0268425, MONDO:0008763, OMIM 203800.

Submission:

Labcorp Genetics (formerly Invitae), Labcorp
Classification: Uncertain significance for Alstrom syndrome. Last evaluated: 2021-06-12. Review status: criteria provided, single submitter. Criteria: Invitae Variant Classification Sherloc (09022015). Collection method: clinical testing. Allele origin: germline.
Comment: This variant has not been reported in the literature in individuals with ALMS1-related conditions. Experimental studies and prediction algorithms are not available or were not evaluated, and the functional significance of this variant is currently unknown. In summary, the available evidence is currently insufficient to determine the role of this variant in disease. Therefore, it has been classified as a Variant of Uncertain Significance. This variant is not present in population databases (ExAC no frequency). This sequence change replaces glycine with glutamic acid at codon 3119 of the ALMS1 protein (p.Gly3119Glu). The glycine residue is moderately conserved and there is a moderate physicochemical difference between glycine and glutamic acid.

NM_001378454.1(ALMS1):c.9353G>A (p.Gly3118Glu)

Gene: ALMS1 (ALMS1 centrosome and basal body associated protein; plus strand). Cytogenetic location: 2p13.1.
Variant type: single nucleotide variant.
Coding change: c.9353G>A on transcript NM_001378454.1 (MANE Select); coding-DNA position 9353, G replaced by A.
Protein change: p.Gly3118Glu; replaces glycine 3118 with glutamic acid.
Molecular consequence: missense variant.
Genome position (GRCh38, 1-based): chr2:73,491,312, G>A. VCF-style: chr2-73491312-G-A. GRCh37 (hg19) VCF-style: chr2-73718439-G-A.
Other names: c.9356G>A, p.Gly3119Glu (NM_015120.4); short protein forms G3118E, G3119E.
Identifiers: ClinVar variation 1360383 (VCV001360383.6), dbSNP rs1672980678, ClinGen allele CA347274292.